The following is an entry in ClinVar:

NM_000430.4(PAFAH1B1):c.430C>T (p.Arg144Ter)

Gene: PAFAH1B1 (platelet activating factor acetylhydrolase 1b regulatory subunit 1; plus strand). Cytogenetic location: 17p13.3.
Variant type: single nucleotide variant.
Coding change: c.430C>T on transcript NM_000430.4 (MANE Select); coding-DNA position 430, C replaced by T.
Protein change: p.Arg144Ter; replaces arginine 144 with a stop codon.
Molecular consequence: nonsense.
Genome position (GRCh38, 1-based): chr17:2,670,193, C>T. VCF-style: chr17-2670193-C-T. GRCh37 (hg19) VCF-style: chr17-2573487-C-T.
Other names: short protein forms R144*.
Identifiers: ClinVar variation 159522 (VCV000159522.54), dbSNP rs587784267, ClinGen allele CA272410.
Genomic context (GRCh38, chr17:2,670,193, plus strand): 5'-GTGTTAACCAATTTTCTGTTCACTTGACAGGTGTGGGATTATGAGACTGGAGATTTTGAA[C>T]GAACTCTTAAAGGACATACAGACTCTGTACAGGACATTTCATTCGACCACAGCGGCAAGC-3'

ClinVar aggregate classification (germline): Pathogenic. Review status: criteria provided, multiple submitters, no conflicts (2 of 4 stars). 5 submissions from 5 submitters: Pathogenic (5). Last evaluated 2024-07-30.

Conditions:
PAFAH1B1-related disorder. Also called: PAFAH1B1-related condition.
Lissencephaly due to LIS1 mutation (LIS1). Also called: PAFAH1B1-Related Lissencephaly/Subcortical Band Heterotopia; Isolated Lissencephaly Sequence; PAFAH1B1-Associated Lissencephaly/Subcortical Band Heterotopia. Identifiers: Orphanet 95232, MedGen C4749301, MONDO:0011830, OMIM 607432.

Submissions (5):

Blueprint Genetics
Classification: Pathogenic for PAFAH1B1-related disorders. Last evaluated: 2024-07-30. Review status: criteria provided, single submitter. Criteria: ACMG Guidelines, 2015. Collection method: clinical testing. Allele origin: germline. Affected: yes. Observed: 1 variant allele.

Labcorp Genetics (formerly Invitae), Labcorp
Classification: Pathogenic. Last evaluated: 2024-06-09. Review status: criteria provided, single submitter. Criteria: Invitae Variant Classification Sherloc (09022015). Collection method: clinical testing. Allele origin: germline.
Comment: This sequence change creates a premature translational stop signal (p.Arg144*) in the PAFAH1B1 gene. It is expected to result in an absent or disrupted protein product. Loss-of-function variants in PAFAH1B1 are known to be pathogenic (PMID: 1671808, 11115846, 14581661). This variant is not present in population databases (gnomAD no frequency). This premature translational stop signal has been observed in individual(s) with clinical features of PAFAH1B1-related conditions (PMID: 9817918). ClinVar contains an entry for this variant (Variation ID: 159522). For these reasons, this variant has been classified as Pathogenic.

GeneDx
Classification: Pathogenic. Last evaluated: 2023-11-27. Review status: criteria provided, single submitter. Criteria: GeneDx Variant Classification Process June 2021. Collection method: clinical testing. Allele origin: germline. Affected: yes.
Comment: Not observed at significant frequency in large population cohorts (gnomAD); Nonsense variant predicted to result in protein truncation or nonsense mediated decay in a gene for which loss-of-function is a known mechanism of disease; This variant is associated with the following publications: (PMID: 10727864, 11754098, 9817918, 9989616, Ou 2020, 36100855)

CeGaT Center for Human Genetics Tuebingen
Classification: Pathogenic. Last evaluated: 2019-02-01. Review status: criteria provided, single submitter. Criteria: CeGaT Center For Human Genetics Tuebingen Variant Classification Criteria Version 2. Collection method: clinical testing. Allele origin: germline. Affected: yes. Observed: 1 variant allele.

Genetic Services Laboratory, University of Chicago
Classification: Pathogenic for Lissencephaly 1. Last evaluated: 2013-02-08. Review status: criteria provided, single submitter. Criteria: ACMG Guidelines, 2007. Collection method: clinical testing. Allele origin: germline. Inheritance: Autosomal dominant inheritance. Affected: yes.

Literature cited by the submitters: PubMed 1671808 (cited by Labcorp Genetics (formerly Invitae), Labcorp); PubMed 11115846 (cited by Labcorp Genetics (formerly Invitae), Labcorp); PubMed 14581661 (cited by Labcorp Genetics (formerly Invitae), Labcorp); PubMed 9817918 (cited by Labcorp Genetics (formerly Invitae), Labcorp).